The following is an entry in ClinVar:

ClinVar aggregate classification (germline): Uncertain significance (1 of 4 stars; one submission).

Conditions:
Cardiovascular phenotype. Identifiers: MedGen CN230736.

Submission:

Ambry Genetics
Classification: Uncertain significance for Cardiovascular phenotype. Last evaluated: 2025-03-25. Review status: criteria provided, single submitter. Criteria: Ambry Variant Classification Scheme 2023. Collection method: clinical testing. Allele origin: germline.
Comment: The p.L405F variant (also known as c.1213C>T), located in coding exon 2 of the KCNJ8 gene, results from a C to T substitution at nucleotide position 1213. The leucine at codon 405 is replaced by phenylalanine, an amino acid with highly similar properties. This amino acid position is conserved. In addition, this alteration is predicted to be tolerated by in silico analysis. Based on the available evidence, the clinical significance of this variant remains unclear.

NM_004982.4(KCNJ8):c.1213C>T (p.Leu405Phe)

Genes: KCNJ8 (potassium inwardly rectifying channel subfamily J member 8; minus strand), KCNJ8-AS1 (KCNJ8 antisense RNA 1; plus strand). Cytogenetic location: 12p12.1.
Variant type: single nucleotide variant.
Coding change: c.1213C>T on transcript NM_004982.4 (MANE Select); coding-DNA position 1213, C replaced by T.
Protein change: p.Leu405Phe; replaces leucine 405 with phenylalanine.
Molecular consequence: missense variant.
Genome position (GRCh38, 1-based): chr12:21,765,785, G>A on the plus strand (C>T on the coding strand, the complement: KCNJ8 is on the minus strand). VCF-style: chr12-21765785-G-A. GRCh37 (hg19) VCF-style: chr12-21918719-G-A.
Other names: short protein forms L405F.
Identifiers: ClinVar variation 4041679 (VCV004041679.1).